The following is an entry in ClinVar:

Conditions:
Breast-ovarian cancer, familial, susceptibility to, 1 (BROVCA1). Also called: BRCA1 Hereditary Breast and Ovarian Cancer; OVARIAN CANCER, SUSCEPTIBILITY TO. Identifiers: Orphanet 145, MedGen C2676676, MONDO:0011450, OMIM 604370. Disease mechanism: loss of function.

Allele frequency attached by ClinVar (database versions not stated): gnomAD 0.00001.
gnomAD v4.1: 2 of 1,609,780 alleles (0.00012%); highest among the groups gnomAD compares: Non-Finnish European, 0.00017%; no homozygotes.

Submission:

Brotman Baty Institute, University of Washington
No classification provided (evidence only). Condition: Breast-ovarian cancer, familial 1. Review status: no classification provided. Collection method: in vitro. Allele origin: not applicable. Functional consequence: functionally_normal.
ClinVar note: "not provided" was previously submitted as the classification for the variant. However, the classification appeared to be based only on an observation of functional data so it was converted to no classification on 2025-07-30.

NM_007294.4(BRCA1):c.5153-9T>G

Gene: BRCA1 (BRCA1 DNA repair associated; minus strand). Cytogenetic location: 17q21.31.
Variant type: single nucleotide variant.
Coding change: c.5153-9T>G on transcript NM_007294.4 (MANE Select); 9 bases into the intron before coding-DNA position 5153, T replaced by G.
Molecular consequence: intron variant.
Genome position (GRCh38, 1-based): chr17:43,063,382, A>C on the plus strand (T>G on the coding strand, the complement: BRCA1 is on the minus strand). VCF-style: chr17-43063382-A-C. GRCh37 (hg19) VCF-style: chr17-41215399-A-C.
Other names: c.1700-9T>G (NM_001408458.1, NM_001408461.1, NM_001408464.1 and 7 more transcripts); c.4262-9T>G (NM_001407967.1); c.4772-9T>G (NM_001407959.1); c.4886-9T>G (NM_001407931.1, NM_001407932.1, NM_001407928.1 and 4 more transcripts); c.5009-9T>G (NM_001407747.1, NM_001407745.1, NM_001407737.1 and 21 more transcripts); c.4769-9T>G (NM_001407962.1, NM_001407960.1); c.1340-9T>G (NM_001408512.1); c.1463-9T>G (NM_001408510.1); and 72 more.
Identifiers: ClinVar variation 867420 (VCV000867420.3), dbSNP rs2051874564, ClinGen allele CA916080058.